The following is an entry in ClinVar:

NM_012431.3(SEMA3E):c.1085G>A (p.Gly362Glu)

Gene: SEMA3E (semaphorin 3E; minus strand). Cytogenetic location: 7q21.11.
Variant type: single nucleotide variant.
Coding change: c.1085G>A on transcript NM_012431.3 (MANE Select); coding-DNA position 1085, G replaced by A.
Protein change: p.Gly362Glu; replaces glycine 362 with glutamic acid.
Molecular consequence: missense variant.
Genome position (GRCh38, 1-based): chr7:83,402,690, C>T on the plus strand (G>A on the coding strand, the complement: SEMA3E is on the minus strand). VCF-style: chr7-83402690-C-T. GRCh37 (hg19) VCF-style: chr7-83032006-C-T.
Other names: c.905G>A, p.Gly302Glu (NM_001178129.2); short protein forms G302E, G362E.
Identifiers: ClinVar variation 2883135 (VCV002883135.3), dbSNP rs1485376680, ClinGen allele CA367929129.
Genomic context (GRCh38, chr7:83,402,690, plus strand): 5'-ACAGAACCAGGCCTTGGATAAGGGACTTTTCCTTCATAGACTGACCAGTGGTATTCAGGT[C>T]CTTCCTTATGTGCATATGGTCCGTTGAAGGCTGCCCGAATGCTAGACATGTGATAGACAC-3'
Protein context (NP_036563.1, residues 352-372): AFNGPYAHKE[Gly362Glu]PEYHWSVYEG

ClinVar aggregate classification (germline): Uncertain significance (1 of 4 stars; one submission).

Conditions:
CHARGE syndrome (CHARGE). Also called: Hittner Hirsch Kreh syndrome; CHARGE ASSOCIATION--COLOBOMA, HEART ANOMALY, CHOANAL ATRESIA, RETARDATION, GENITAL AND EAR ANOMALIES; Coloboma, heart anomaly, choanal atresia, retardation, genital and ear anomalies; CHARGE association; Hall-Hittner syndrome. Identifiers: Orphanet 138, MedGen C0265354, MONDO:0008965.

Allele frequency attached by ClinVar (database versions not stated): gnomAD exomes 0.00001; TOPMed 0.00009; gnomAD 0.00010.
gnomAD v4.1: 23 of 1,612,926 alleles (0.0014%); highest among the groups gnomAD compares: Admixed American, 0.038%; no homozygotes.

Submission:

Labcorp Genetics (formerly Invitae), Labcorp
Classification: Uncertain significance for CHARGE syndrome. Last evaluated: 2023-08-19. Review status: criteria provided, single submitter. Criteria: Invitae Variant Classification Sherloc (09022015). Collection method: clinical testing. Allele origin: germline.
Comment: This variant has not been reported in the literature in individuals affected with SEMA3E-related conditions. In summary, the available evidence is currently insufficient to determine the role of this variant in disease. Therefore, it has been classified as a Variant of Uncertain Significance. Advanced modeling of protein sequence and biophysical properties (such as structural, functional, and spatial information, amino acid conservation, physicochemical variation, residue mobility, and thermodynamic stability) performed at Invitae indicates that this missense variant is not expected to disrupt SEMA3E protein function. This variant is present in population databases (no rsID available, gnomAD 0.02%). This sequence change replaces glycine, which is neutral and non-polar, with glutamic acid, which is acidic and polar, at codon 362 of the SEMA3E protein (p.Gly362Glu).